The following is an entry in ClinVar:

NM_138554.5(TLR4):c.1196C>T (p.Thr399Ile)

Gene: TLR4 (toll like receptor 4; plus strand). Cytogenetic location: 9q33.1.
Variant type: single nucleotide variant.
Coding change: c.1196C>T on transcript NM_138554.5 (MANE Select); coding-DNA position 1196, C replaced by T.
Protein change: p.Thr399Ile; replaces threonine 399 with isoleucine.
Molecular consequence: missense variant.
Genome position (GRCh38, 1-based): chr9:117,713,324, C>T. VCF-style: chr9-117713324-C-T. GRCh37 (hg19) VCF-style: chr9-120475602-C-T.
Other names: c.1076C>T, p.Thr359Ile (NM_003266.4); c.596C>T, p.Thr199Ile (NM_138557.3); c.1196C>T (NM_138554.4); short protein forms T399I, T359I, T199I.
Identifiers: ClinVar variation 6661 (VCV000006661.4), dbSNP rs4986791, ClinGen allele CA118406.

ClinVar aggregate classification (germline): Benign. Review status: criteria provided, multiple submitters, no conflicts (2 of 4 stars). 5 submissions from 5 submitters: Benign (2). 3 of the submissions do not count toward it. Last evaluated 2025-09-15.

Conditions:
COPD, severe early onset. Also called: Pulmonary disease, chronic obstructive, severe early-onset. Identifiers: MedGen C1847014, MONDO:0011751.
TLR4-related disorder. Also called: TLR4-related condition.
TLR4 POLYMORPHISM.

Allele frequency attached by ClinVar (database versions not stated): 1000 Genomes Project 30x 0.04044; 1000 Genomes Project 0.04073; TOPMed 0.04090; gnomAD 0.04749 and 0.04949; ExAC 0.05524; gnomAD exomes 0.05662 and 0.06244.
gnomAD v4.1: 98,915 of 1,613,894 alleles (6.1%); highest among the groups gnomAD compares: South Asian, 11%; 3,597 homozygotes.

Submissions (5):

PreventionGenetics, part of Exact Sciences
Classification: Benign for TLR4-related condition. Last evaluated: 2025-09-15. Review status: criteria provided, single submitter. Criteria: ACMG Guidelines, 2015. Collection method: clinical testing. Allele origin: germline.
Comment: This variant is classified as benign based on ACMG/AMP sequence variant interpretation guidelines (Richards et al. 2015 PMID: 25741868, with internal and published modifications).

Breakthrough Genomics
Classification: Benign. Review status: criteria provided, single submitter. Criteria: ACMG Guidelines, 2015. Collection method: not provided. Allele origin: germline. Inheritance: Unknown mechanism. Affected: yes.

Pneumogenomics Laboratory, Instituto Nacional de Enfermedades Respiratorias Ismael Cosio Villegas
Classification: Uncertain significance for Chronic obstructive pulmonary disease. Last evaluated: 2023-09-01. Review status: no assertion criteria provided. Collection method: research. Allele origin: germline. Affected: yes. Not counted in ClinVar's aggregate classification.

OMIM
Classification: Benign for TLR4 POLYMORPHISM. Last evaluated: 2002-07-18. Review status: no assertion criteria provided. Collection method: literature only. Allele origin: germline. Not counted in ClinVar's aggregate classification.

NEI Ophthalmic Genomics Laboratory, National Institutes of Health
No classification provided. Review status: no classification provided. Collection method: not provided. Allele origin: not provided. Not counted in ClinVar's aggregate classification.

Literature cited by the submitters: PubMed 10835634 (cited by OMIM); PubMed 12124407 (cited by OMIM).